The following is an entry in ClinVar:

NM_006121.4(KRT1):c.564C>A (p.Asn188Lys)

Gene: KRT1 (keratin 1; minus strand). Cytogenetic location: 12q13.13.
Variant type: single nucleotide variant.
Coding change: c.564C>A on transcript NM_006121.4 (MANE Select); coding-DNA position 564, C replaced by A.
Protein change: p.Asn188Lys; replaces asparagine 188 with lysine.
Molecular consequence: missense variant.
Genome position (GRCh38, 1-based): chr12:52,679,785, G>T on the plus strand (C>A on the coding strand, the complement: KRT1 is on the minus strand). VCF-style: chr12-52679785-G-T. GRCh37 (hg19) VCF-style: chr12-53073569-G-T.
Other names: N187K; short protein forms N188K.
Identifiers: ClinVar variation 15914 (VCV000015914.11), dbSNP rs59429455, ClinGen allele CA126049.

ClinVar aggregate classification (germline): Pathogenic. Review status: criteria provided, multiple submitters, no conflicts (2 of 4 stars). 7 submissions from 7 submitters: Pathogenic (5). 2 of the submissions do not count toward it. Last evaluated 2025-08-19.

Conditions:
KRT1-related disorder. Also called: KRT1-related condition.
Epidermolytic ichthyosis. Also called: Bullous ichthyosiform erythroderma; KRT10-Related Epidermolytic Hyperkeratosis; Epidermolytic Hyperkeratosis; Congenital bullous ichthyosiform erythroderma. Identifiers: Orphanet 312, MedGen C0079153, MONDO:0007239, HP:0007475.

Submissions (7):

3billion
Classification: Pathogenic for KRT1-related disorder. Last evaluated: 2025-08-19. Review status: criteria provided, single submitter. Criteria: ACMG Guidelines, 2015. Collection method: clinical testing. Allele origin: germline. Affected: yes.
Comment: The variant is not observed in the gnomAD v4.1.0 dataset. Predicted Consequence/Location: The variant is located in a mutational hot spot and/or well-established functional domain in which established pathogenic variants have been reported. In silico tool predictions suggest damaging effect of the variant on gene or gene product [REVEL: 0.73 (>=0.6, sensitivity 0.68 and specificity 0.92); 3Cnet: 0.98 (> 0.75, sensitivity 0.96 and precision 0.92)]. The same nucleotide change resulting in the same amino acid change has been previously reported as pathogenic/likely pathogenic with strong evidence (ClinVar ID: VCV000015914 /PMID: 12406348). Different missense changes at the same codon (p.Asn188His, p.Asn188Ile, p.Asn188Ser, p.Asn188Thr) have been reported as pathogenic/likely pathogenic with strong evidence (ClinVar ID: VCV000066650, VCV001339265 /PMID: 10232403, 28121638, 32898404, 7507151). Therefore, this variant is classified as Pathogenic according to the recommendation of ACMG/AMP guideline.

Baylor Genetics
Classification: Pathogenic for Epidermolytic hyperkeratosis 1. Last evaluated: 2022-11-22. Review status: criteria provided, single submitter. Criteria: ACMG Guidelines, 2015. Collection method: clinical testing. Allele origin: unknown.

PreventionGenetics, part of Exact Sciences
Classification: Pathogenic for KRT1-related condition. Last evaluated: 2022-10-26. Review status: criteria provided, single submitter. Criteria: ACMG Guidelines, 2015. Collection method: clinical testing. Allele origin: germline.
Comment: The KRT1 c.564C>A variant is predicted to result in the amino acid substitution p.Asn188Lys. This variant has been previously reported in an individual with epidermolytic hyperkeratosis (patient EHK-SJ in Lee et al. 2002. PubMed ID: 12406348). Furthermore, nucleotide changes affecting the same KRT1 amino acid (188) have been reported in association with epidermolytic hyperkeratosis or ichthyosis (Human Gene Mutation Database). This variant has not been reported in a large population database, indicating this variant is rare. This variant is interpreted as pathogenic.

Mendelics
Classification: Pathogenic for Epidermolytic hyperkeratosis 1. Last evaluated: 2022-05-04. Review status: criteria provided, single submitter. Criteria: Mendelics Assertion Criteria 2019. Collection method: clinical testing. Allele origin: germline.

GeneDx
Classification: Pathogenic. Last evaluated: 2019-03-20. Review status: criteria provided, single submitter. Criteria: GeneDx Variant Classification Process June 2021. Collection method: clinical testing. Allele origin: germline. Affected: yes.
Comment: Located within the helix initiation in 1A domain that is intolerant of change; Not observed in large population cohorts (Lek et al., 2016); The majority of missense variants in this gene are considered pathogenic (Stenson et al., 2014); In silico analysis, which includes protein predictors and evolutionary conservation, supports a deleterious effect; This variant is associated with the following publications: (PMID: 30288772, 28121638, 21271994, 12406348)

OMIM
Classification: Pathogenic for EPIDERMOLYTIC HYPERKERATOSIS 1. Last evaluated: 2002-10-01. Review status: no assertion criteria provided. Collection method: literature only. Allele origin: germline. Not counted in ClinVar's aggregate classification.

Epithelial Biology;  Institute of Medical Biology, Singapore
No classification provided. Review status: no classification provided. Collection method: not provided. Allele origin: not provided. Not counted in ClinVar's aggregate classification.

Literature cited by the submitters: PubMed 10232403 (cited by 3billion); PubMed 12406348 (cited by 3billion and OMIM); PubMed 11559215 (cited by OMIM); PubMed 30288772 (cited by OMIM).